The following is an entry in ClinVar:

NM_015330.6(SPECC1L):c.59C>T (p.Thr20Met)

Genes: SPECC1L (sperm antigen with calponin homology and coiled-coil domains 1 like; plus strand), SPECC1L-ADORA2A (SPECC1L-ADORA2A readthrough (NMD candidate); plus strand). Cytogenetic location: 22q11.23.
Variant type: single nucleotide variant.
Coding change: c.59C>T on transcript NM_015330.6 (MANE Select); coding-DNA position 59, C replaced by T.
Protein change: p.Thr20Met; replaces threonine 20 with methionine.
Molecular consequence: missense variant. On other transcripts: non-coding transcript variant (1).
Genome position (GRCh38, 1-based): chr22:24,302,290, C>T. VCF-style: chr22-24302290-C-T. GRCh37 (hg19) VCF-style: chr22-24698258-C-T.
Other names: c.59C>T, p.Thr20Met (NM_001145468.4, NM_001254732.3); c.59C>T (NM_015330.4); short protein forms T20M.
Identifiers: ClinVar variation 1574521 (VCV001574521.9), dbSNP rs144546045, ClinGen allele CA10151859.

ClinVar aggregate classification (germline): Likely benign. Review status: criteria provided, single submitter (1 of 4 stars). 2 submissions from 2 submitters: Likely benign (1). 1 of the submissions does not count toward it. Last evaluated 2021-10-07.

Conditions:
SPECC1L-related disorder. Also called: SPECC1L-related condition.

Allele frequency attached by ClinVar (database versions not stated): gnomAD 0.00006 and 0.00009; ESP Exome Variant Server 0.00008; gnomAD exomes 0.00008 and 0.00015; ExAC 0.00018.
gnomAD v4.1: 124 of 1,613,920 alleles (0.0077%); highest among the groups gnomAD compares: South Asian, 0.11%; 1 homozygote.

Submissions (2):

Labcorp Genetics (formerly Invitae), Labcorp
Classification: Likely benign. Last evaluated: 2021-10-07. Review status: criteria provided, single submitter. Criteria: Invitae Variant Classification Sherloc (09022015). Collection method: clinical testing. Allele origin: germline.

PreventionGenetics, part of Exact Sciences
Classification: Likely benign for SPECC1L-related condition. Last evaluated: 2024-08-26. Review status: no assertion criteria provided. Collection method: clinical testing. Allele origin: germline. Not counted in ClinVar's aggregate classification.
Comment: This variant is classified as likely benign based on ACMG/AMP sequence variant interpretation guidelines (Richards et al. 2015 PMID: 25741868, with internal and published modifications).